The following is an entry in ClinVar:

NM_000038.6(APC):c.8213T>A (p.Ile2738Lys)

Gene: APC (APC regulator of Wnt signaling pathway; plus strand). Cytogenetic location: 5q22.2.
Variant type: single nucleotide variant.
Coding change: c.8213T>A on transcript NM_000038.6 (MANE Select); coding-DNA position 8213, T replaced by A.
Protein change: p.Ile2738Lys; replaces isoleucine 2738 with lysine.
Molecular consequence: missense variant. On other transcripts: non-coding transcript variant (2).
Genome position (GRCh38, 1-based): chr5:112,843,807, T>A. VCF-style: chr5-112843807-T-A. GRCh37 (hg19) VCF-style: chr5-112179504-T-A.
Other names: c.8213T>A, p.Ile2738Lys (NM_001127510.3, NM_001354895.2, NM_001407450.1); c.8159T>A, p.Ile2720Lys (NM_001127511.3); c.8267T>A, p.Ile2756Lys (NM_001354896.2, NM_001407447.1, NM_001407448.1 and 1 more transcripts); c.8243T>A, p.Ile2748Lys (NM_001354897.2); c.8138T>A, p.Ile2713Lys (NM_001354898.2); c.8129T>A, p.Ile2710Lys (NM_001354899.2); c.8090T>A, p.Ile2697Lys (NM_001354900.2); c.8036T>A, p.Ile2679Lys (NM_001354901.2, NM_001407453.1); and 11 more; short protein forms I2455K, I2578K, I2731K, I2766K, I2637K, I2647K, I2710K, I2748K.
Identifiers: ClinVar variation 3693171 (VCV003693171.2).
Genomic context (GRCh38, chr5:112,843,807, plus strand): 5'-TGGAAAATCGCCTGAACTCCTTTATTCAGGTGGATGCCCCTGACCAAAAAGGAACTGAGA[T>A]AAAACCAGGACAAAATAATCCTGTCCCTGTATCAGAGACTAATGAAAGTTCTATAGTGGA-3'
Protein context (NP_000029.2, residues 2728-2748): VDAPDQKGTE[Ile2738Lys]KPGQNNPVPV

ClinVar aggregate classification (germline): Uncertain significance (1 of 4 stars; one submission).

Conditions:
Familial adenomatous polyposis 1 (FAP1). Also called: FAMILIAL ADENOMATOUS POLYPOSIS 1, ATTENUATED; POLYPOSIS, ADENOMATOUS INTESTINAL. Identifiers: MedGen C2713442, MONDO:0021056, OMIM 175100. Disease mechanism: loss of function.

Submission:

Labcorp Genetics (formerly Invitae), Labcorp
Classification: Uncertain significance for Familial adenomatous polyposis 1. Last evaluated: 2024-09-23. Review status: criteria provided, single submitter. Criteria: Invitae Variant Classification Sherloc (09022015). Collection method: clinical testing. Allele origin: germline.
Comment: This sequence change replaces isoleucine, which is neutral and non-polar, with lysine, which is basic and polar, at codon 2738 of the APC protein (p.Ile2738Lys). This variant is not present in population databases (gnomAD no frequency). This variant has not been reported in the literature in individuals affected with APC-related conditions. Invitae Evidence Modeling of protein sequence and biophysical properties (such as structural, functional, and spatial information, amino acid conservation, physicochemical variation, residue mobility, and thermodynamic stability) indicates that this missense variant is not expected to disrupt APC protein function with a negative predictive value of 95%. In summary, the available evidence is currently insufficient to determine the role of this variant in disease. Therefore, it has been classified as a Variant of Uncertain Significance.